The following is an entry in ClinVar:

ClinVar aggregate classification (germline): Uncertain significance (1 of 4 stars; one submission).

Conditions:
Cohen syndrome (COH1). Also called: PEPPER SYNDROME; Cutis verticis gyrata, retinitis pigmentosa, and sensorineural deafness. Identifiers: Orphanet 193, MedGen C0265223, MONDO:0008999, OMIM 216550.

Allele frequency attached by ClinVar (database versions not stated): gnomAD exomes below 0.00001.
gnomAD v4.1: 2 of 1,614,196 alleles (0.00012%); highest among the groups gnomAD compares: Non-Finnish European, 0.00017%; no homozygotes.

Submission:

Labcorp Genetics (formerly Invitae), Labcorp
Classification: Uncertain significance for Cohen syndrome. Last evaluated: 2021-04-11. Review status: criteria provided, single submitter. Criteria: Invitae Variant Classification Sherloc (09022015). Collection method: clinical testing. Allele origin: germline.
Comment: Algorithms developed to predict the effect of missense changes on protein structure and function are either unavailable or do not agree on the potential impact of this missense change (SIFT: "Not Available"; PolyPhen-2: "Benign"; Align-GVGD: "Not Available"). In summary, the available evidence is currently insufficient to determine the role of this variant in disease. Therefore, it has been classified as a Variant of Uncertain Significance. This variant has not been reported in the literature in individuals with VPS13B-related conditions. This variant is not present in population databases (ExAC no frequency). This sequence change replaces asparagine with isoleucine at codon 3776 of the VPS13B protein (p.Asn3776Ile). The asparagine residue is moderately conserved and there is a large physicochemical difference between asparagine and isoleucine.

NM_152564.5(VPS13B):c.11252A>T (p.Asn3751Ile)

Gene: VPS13B (vacuolar protein sorting 13 homolog B; plus strand). Cytogenetic location: 8q22.2.
Variant type: single nucleotide variant.
Coding change: c.11252A>T on transcript NM_152564.5 (MANE Select); coding-DNA position 11252, A replaced by T.
Protein change: p.Asn3751Ile; replaces asparagine 3751 with isoleucine.
Molecular consequence: missense variant.
Genome position (GRCh38, 1-based): chr8:99,868,325, A>T. VCF-style: chr8-99868325-A-T. GRCh37 (hg19) VCF-style: chr8-100880553-A-T.
Other names: c.11327A>T, p.Asn3776Ile (NM_017890.5); short protein forms N3776I, N3751I.
Identifiers: ClinVar variation 1364619 (VCV001364619.6), dbSNP rs2130962939, ClinGen allele CA371791843.